The following is an entry in ClinVar:

ClinVar aggregate classification (germline): Uncertain significance (1 of 4 stars; one submission).

Allele frequency attached by ClinVar (database versions not stated): TOPMed below 0.00001; gnomAD 0.00001; gnomAD exomes 0.00002.
gnomAD v4.1: 24 of 1,614,106 alleles (0.0015%); highest among the groups gnomAD compares: Non-Finnish European, 0.0019%; no homozygotes.

Submission:

Labcorp Genetics (formerly Invitae), Labcorp
Classification: Uncertain significance. Last evaluated: 2024-02-24. Review status: criteria provided, single submitter. Criteria: Invitae Variant Classification Sherloc (09022015). Collection method: clinical testing. Allele origin: germline.
Comment: This sequence change replaces asparagine, which is neutral and polar, with aspartic acid, which is acidic and polar, at codon 1559 of the DSCAML1 protein (p.Asn1559Asp). This variant is present in population databases (rs756243903, gnomAD 0.0009%). This variant has not been reported in the literature in individuals affected with DSCAML1-related conditions. ClinVar contains an entry for this variant (Variation ID: 1947175). An algorithm developed to predict the effect of missense changes on protein structure and function (PolyPhen-2) suggests that this variant is likely to be disruptive. In summary, the available evidence is currently insufficient to determine the role of this variant in disease. Therefore, it has been classified as a Variant of Uncertain Significance.

NM_020693.4(DSCAML1):c.4495A>G (p.Asn1499Asp)

Gene: DSCAML1 (DS cell adhesion molecule like 1; minus strand). Cytogenetic location: 11q23.3.
Variant type: single nucleotide variant.
Coding change: c.4495A>G on transcript NM_020693.4 (MANE Select); coding-DNA position 4495, A replaced by G.
Protein change: p.Asn1499Asp; replaces asparagine 1499 with aspartic acid.
Molecular consequence: missense variant.
Genome position (GRCh38, 1-based): chr11:117,437,347, T>C on the plus strand (A>G on the coding strand, the complement: DSCAML1 is on the minus strand). VCF-style: chr11-117437347-T-C. GRCh37 (hg19) VCF-style: chr11-117308063-T-C.
Other names: short protein forms N1499D.
Identifiers: ClinVar variation 1947175 (VCV001947175.5), dbSNP rs756243903, ClinGen allele CA229401605.
Genomic context (GRCh38, chr11:117,437,347, plus strand): 5'-GCCGGTACTCCAGAACGATGGCTGTGATAGGGCAGCCCCCATTGTTCCAGCCCTGCAGGT[T>C]AAGCCGAGCATGCGTGGAGTTGATGTGGGTGAAGAGGTGTTGGTCTTTGCTGAAGGAGGG-3'
Protein context (NP_065744.3, residues 1489-1509): THINSTHARL[Asn1499Asp]LQGWNNGGCP